The following is an entry in ClinVar:

ClinVar aggregate classification (germline): Uncertain significance (1 of 4 stars; one submission).

Conditions:
Epidermolysis bullosa simplex with nail dystrophy (EBS5D). Identifiers: MedGen C4225309, MONDO:0014661, OMIM 616487.
Epidermolysis bullosa simplex 5B, with muscular dystrophy (EBS5B). Also called: EPIDERMOLYSIS BULLOSA SIMPLEX AND LIMB-GIRDLE MUSCULAR DYSTROPHY; Epidermolysis bullosa simplex with muscular dystrophy. Identifiers: Orphanet 257, MedGen C2931072, MONDO:0009181, OMIM 226670.
Epidermolysis bullosa simplex 5C, with pyloric atresia (EBS5C). Also called: PLEC-Related Epidermolysis Bullosa with Pyloric Atresia; Epidermolysis bullosa simplex with pyloric atresia; PLEC1-Related Epidermolysis Bullosa with Pyloric Atresia. Identifiers: Orphanet 158684, MedGen C2677349, MONDO:0012807, OMIM 612138.
Autosomal recessive limb-girdle muscular dystrophy type 2Q (LGMDR17). Also called: MUSCULAR DYSTROPHY, LIMB-GIRDLE, AUTOSOMAL RECESSIVE 17. Identifiers: Orphanet 254361, MedGen C3150989, MONDO:0013390, OMIM 613723.
Epidermolysis bullosa simplex, Ogna type (EBS5A). Also called: Pidermolysis bullosa simplex 5A, Ogna type; EPIDERMOLYSIS BULLOSA SIMPLEX 5A, OGNA TYPE. Identifiers: Orphanet 79401, MedGen C0432317, MONDO:0007555, OMIM 131950.

Allele frequency attached by ClinVar (database versions not stated): gnomAD exomes 0.00001.
gnomAD v4.1: 12 of 1,611,944 alleles (0.00074%); highest among the groups gnomAD compares: Non-Finnish European, 0.001%; no homozygotes.

Submission:

Labcorp Genetics (formerly Invitae), Labcorp
Classification: Uncertain significance for Autosomal recessive limb-girdle muscular dystrophy type 2Q; Epidermolysis bullosa simplex, Ogna type; Epidermolysis bullosa simplex with nail dystrophy; Epidermolysis bullosa simplex 5C, with pyloric atresia; Epidermolysis bullosa simplex 5B, with muscular dystrophy. Last evaluated: 2024-07-15. Review status: criteria provided, single submitter. Criteria: Invitae Variant Classification Sherloc (09022015). Collection method: clinical testing. Allele origin: germline.
Comment: This sequence change replaces tyrosine, which is neutral and polar, with cysteine, which is neutral and slightly polar, at codon 4408 of the PLEC protein (p.Tyr4408Cys). This variant is not present in population databases (gnomAD no frequency). This variant has not been reported in the literature in individuals affected with PLEC-related conditions. Advanced modeling of protein sequence and biophysical properties (such as structural, functional, and spatial information, amino acid conservation, physicochemical variation, residue mobility, and thermodynamic stability) performed at Invitae indicates that this missense variant is not expected to disrupt PLEC protein function with a negative predictive value of 80%. In summary, the available evidence is currently insufficient to determine the role of this variant in disease. Therefore, it has been classified as a Variant of Uncertain Significance.

NM_201384.3(PLEC):c.13142A>G (p.Tyr4381Cys)

Gene: PLEC (plectin; minus strand). Cytogenetic location: 8q24.3.
Variant type: single nucleotide variant.
Coding change: c.13142A>G on transcript NM_201384.3 (MANE Select); coding-DNA position 13142, A replaced by G.
Protein change: p.Tyr4381Cys; replaces tyrosine 4381 with cysteine.
Molecular consequence: missense variant.
Genome position (GRCh38, 1-based): chr8:143,916,679, T>C on the plus strand (A>G on the coding strand, the complement: PLEC is on the minus strand). VCF-style: chr8-143916679-T-C. GRCh37 (hg19) VCF-style: chr8-144990847-T-C.
Other names: c.13223A>G, p.Tyr4408Cys (NM_000445.5); c.9842A>G, p.Tyr3281Cys (NM_001410941.1); c.13100A>G, p.Tyr4367Cys (NM_201378.4); c.13076A>G, p.Tyr4359Cys (NM_201379.3); c.13553A>G, p.Tyr4518Cys (NM_201380.4); c.13046A>G, p.Tyr4349Cys (NM_201381.3); c.13142A>G, p.Tyr4381Cys (NM_201382.4); c.13154A>G, p.Tyr4385Cys (NM_201383.3); short protein forms Y4381C, Y4385C, Y4408C, Y4518C, Y4359C, Y4367C, Y3281C, Y4349C.
Identifiers: ClinVar variation 2927646 (VCV002927646.3), dbSNP rs2539161537, ClinGen allele CA372476410.